The following is an entry in ClinVar:

ClinVar aggregate classification (germline): Uncertain significance. Review status: criteria provided, multiple submitters, no conflicts (2 of 4 stars). 2 submissions from 2 submitters: Uncertain significance (2). Last evaluated 2024-07-30.

Conditions:
Acrocallosal syndrome (ACLS). Also called: Schinzel syndrome 1; Absence of corpus callosum with unusual facial appearance, mental deficiency, duplication of the halluces and polydactyly; HALLUX DUPLICATION, POSTAXIAL POLYDACTYLY, AND ABSENCE OF CORPUS CALLOSUM. Identifiers: Orphanet 36, MedGen C0796147, MONDO:0008708, OMIM 200990.

Allele frequency attached by ClinVar (database versions not stated): ExAC 0.00001; TOPMed 0.00001; gnomAD 0.00002 and 0.00003; gnomAD exomes 0.00002 and 0.00003.
gnomAD v4.1: 25 of 1,606,932 alleles (0.0016%); highest among the groups gnomAD compares: Admixed American, 0.0033%; no homozygotes.

Submissions (2):

Blueprint Genetics
Classification: Uncertain significance. Last evaluated: 2024-07-30. Review status: criteria provided, single submitter. Criteria: ACMG Guidelines, 2015. Collection method: clinical testing. Allele origin: germline.

Labcorp Genetics (formerly Invitae), Labcorp
Classification: Uncertain significance for Acrocallosal syndrome. Last evaluated: 2022-01-13. Review status: criteria provided, single submitter. Criteria: Invitae Variant Classification Sherloc (09022015). Collection method: clinical testing. Allele origin: germline.
Comment: This sequence change replaces arginine, which is basic and polar, with cysteine, which is neutral and slightly polar, at codon 862 of the KIF7 protein (p.Arg862Cys). This variant is present in population databases (rs758999185, gnomAD 0.007%). This variant has not been reported in the literature in individuals affected with KIF7-related conditions. Algorithms developed to predict the effect of missense changes on protein structure and function (SIFT, PolyPhen-2, Align-GVGD) all suggest that this variant is likely to be disruptive. In summary, the available evidence is currently insufficient to determine the role of this variant in disease. Therefore, it has been classified as a Variant of Uncertain Significance.

NM_198525.3(KIF7):c.2584C>T (p.Arg862Cys)

Gene: KIF7 (kinesin family member 7; minus strand). Cytogenetic location: 15q26.1.
Variant type: single nucleotide variant.
Coding change: c.2584C>T on transcript NM_198525.3 (MANE Select); coding-DNA position 2584, C replaced by T.
Protein change: p.Arg862Cys; replaces arginine 862 with cysteine.
Molecular consequence: missense variant.
Genome position (GRCh38, 1-based): chr15:89,633,694, G>A on the plus strand (C>T on the coding strand, the complement: KIF7 is on the minus strand). VCF-style: chr15-89633694-G-A. GRCh37 (hg19) VCF-style: chr15-90176925-G-A.
Other names: short protein forms R862C.
Identifiers: ClinVar variation 1478599 (VCV001478599.6), dbSNP rs758999185, ClinGen allele CA7728092.